The following is an entry in ClinVar:

NM_001370259.2(MEN1):c.506G>A (p.Gly169Asp)

Gene: MEN1 (menin 1; minus strand). Cytogenetic location: 11q13.1.
Variant type: single nucleotide variant.
Coding change: c.506G>A on transcript NM_001370259.2 (MANE Select); coding-DNA position 506, G replaced by A.
Protein change: p.Gly169Asp; replaces glycine 169 with aspartic acid.
Molecular consequence: missense variant. On other transcripts: non-coding transcript variant (4).
Genome position (GRCh38, 1-based): chr11:64,808,039, C>T on the plus strand (G>A on the coding strand, the complement: MEN1 is on the minus strand). VCF-style: chr11-64808039-C-T. GRCh37 (hg19) VCF-style: chr11-64575511-C-T.
Other names: c.506G>A, p.Gly169Asp (NM_001370263.2, NM_001407142.1, NM_001407143.1 and 12 more transcripts); c.521G>A, p.Gly174Asp (NM_001407145.1, NM_001407150.1, NM_130800.3 and 5 more transcripts); short protein forms G169D, G174D.
Identifiers: ClinVar variation 4106578 (VCV004106578.1).
Genomic context (GRCh38, chr11:64,808,039, plus strand): 5'-TTGGGCCCAAACACTACCCAGGCATGATCCTCAGACAGGGCGAGGTGGACATCCCGGAGA[C>T]CCAGGGCCTGGCAGGCCCCAACCACAGCAAAGGCCACACCGGAGCTGTCCAATTTGGTGC-3'
Protein context (NP_001357188.2, residues 159-179): FAVVGACQAL[Gly169Asp]LRDVHLALSE

ClinVar aggregate classification (germline): Uncertain significance (1 of 4 stars; one submission).

Conditions:
Hereditary cancer-predisposing syndrome. Also called: Tumor predisposition; Neoplastic Syndromes, Hereditary; Hereditary neoplastic syndrome; Hereditary Cancer Syndrome. Identifiers: Orphanet 140162, MedGen C0027672, MeSH D009386, MONDO:0015356.

Submission:

Ambry Genetics
Classification: Uncertain significance for Hereditary cancer-predisposing syndrome. Last evaluated: 2025-08-20. Review status: criteria provided, single submitter. Criteria: Ambry Variant Classification Scheme 2023. Collection method: clinical testing. Allele origin: germline.
Comment: The p.G169D variant (also known as c.506G>A), located in coding exon 2 of the MEN1 gene, results from a G to A substitution at nucleotide position 506. The glycine at codon 169 is replaced by aspartic acid, an amino acid with similar properties. This amino acid position is highly conserved in available vertebrate species. In addition, this alteration is predicted to be deleterious by in silico analysis. Based on the available evidence, the clinical significance of this variant remains unclear.